The following is an entry in ClinVar:

NM_000382.3(ALDH3A2):c.680+1G>A

Gene: ALDH3A2 (aldehyde dehydrogenase 3 family member A2; plus strand). Cytogenetic location: 17p11.2.
Variant type: single nucleotide variant.
Coding change: c.680+1G>A on transcript NM_000382.3 (MANE Select); the canonical splice donor site of the intron after coding-DNA position 680, G replaced by A.
Molecular consequence: splice donor variant.
Genome position (GRCh38, 1-based): chr17:19,656,575, G>A. VCF-style: chr17-19656575-G-A. GRCh37 (hg19) VCF-style: chr17-19559888-G-A.
Other names: c.101+1G>A (NM_001369148.2); c.680+1G>A (NM_001369137.2, NM_001369138.2, NM_001369146.2 and 3 more transcripts).
Identifiers: ClinVar variation 1878338 (VCV001878338.2), dbSNP rs2544372788, ClinGen allele CA398706684.
Genomic context (GRCh38, chr17:19,656,575, plus strand): 5'-ACTGGGAGGGAAAAGTCCATGTTATATTGATAAAGATTGTGACCTGGACATTGTTTGCAG[G>A]TGAGTCTGGCTCTCTGATTTTCTGAGGTTTTCCCAGCACAATGGAGACTTTTCCTGACAA-3'

ClinVar aggregate classification (germline): Pathogenic/Likely pathogenic. Review status: criteria provided, multiple submitters, no conflicts (2 of 4 stars). 2 submissions from 2 submitters: Pathogenic (1); Likely pathogenic (1). Last evaluated 2023-08-10.

Conditions:
Sjögren-Larsson syndrome (SLS). Also called: FALDH DEFICIENCY; FATTY ALCOHOL:NAD+ OXIDOREDUCTASE DEFICIENCY; FATTY ALDEHYDE DEHYDROGENASE DEFICIENCY; ICHTHYOSIS, SPASTIC NEUROLOGIC DISORDER, AND OLIGOPHRENIA. Identifiers: Orphanet 816, MedGen C0037231, MONDO:0010031, OMIM 270200.

Allele frequency attached by ClinVar (database versions not stated): gnomAD exomes below 0.00001.
gnomAD v4.1: 4 of 1,608,788 alleles (0.00025%); highest among the groups gnomAD compares: Non-Finnish European, 0.00034%; no homozygotes.

Submissions (2):

GeneDx
Classification: Pathogenic. Last evaluated: 2023-08-10. Review status: criteria provided, single submitter. Criteria: GeneDx Variant Classification Process June 2021. Collection method: clinical testing. Allele origin: germline. Affected: yes.
Comment: Canonical splice site variant predicted to result in a null allele in a gene for which loss of function is a known mechanism of disease; Not observed at significant frequency in large population cohorts (gnomAD); This variant is associated with the following publications: (PMID: 30372562, 25532748)

Women's Health and Genetics/Laboratory Corporation of America, LabCorp
Classification: Likely pathogenic for Sjögren-Larsson syndrome. Last evaluated: 2022-12-19. Review status: criteria provided, single submitter. Criteria: LabCorp Variant Classification Summary - May 2015. Collection method: clinical testing. Allele origin: germline.
Comment: Variant summary: ALDH3A2 c.680+1G>A is located in a canonical splice-site and is predicted to affect mRNA splicing resulting in a significantly altered protein due to either exon skipping, shortening, or inclusion of intronic material. Several computational tools predict a significant impact on normal splicing: Four predict the variant abolishes a 5' splicing donor site. Three predict the variant weakens a 3' acceptor site. However, these predictions have yet to be confirmed by functional studies. The variant was absent in 238998 control chromosomes. c.680+1G>A has been reported in the literature in two siblings affected with Sjogren-Larsson Syndrome (Jain_2015). To our knowledge, no experimental evidence demonstrating an impact on protein function has been reported. No clinical diagnostic laboratories have submitted clinical-significance assessments for this variant to ClinVar after 2014. Based on the evidence outlined above, the variant was classified as likely pathogenic.

Literature cited by the submitters: PubMed 25532748 (cited by Women's Health and Genetics/Laboratory Corporation of America, LabCorp); PubMed 30372562 (cited by Women's Health and Genetics/Laboratory Corporation of America, LabCorp).